The following is an entry in ClinVar:

ClinVar aggregate classification (germline): Conflicting classifications of pathogenicity. Review status: criteria provided, conflicting classifications (1 of 4 stars). 3 submissions from 3 submitters: Uncertain significance (1); Likely benign (1). 1 of the submissions does not count toward it. Last evaluated 2023-10-10.

Conditions:
KMT2B-related disorder. Also called: KMT2B-related disorders; KMT2B-related condition. Identifiers: MedGen CN381338.
Inborn genetic diseases. Identifiers: MedGen C0950123, MeSH D030342.

Allele frequency attached by ClinVar (database versions not stated): TOPMed below 0.00001; gnomAD exomes 0.00001.
gnomAD v4.1: 6 of 1,613,760 alleles (0.00037%); highest among the groups gnomAD compares: African/African-American, 0.0013%; no homozygotes.

Submissions (3):

Labcorp Genetics (formerly Invitae), Labcorp
Classification: Likely benign. Last evaluated: 2023-10-10. Review status: criteria provided, single submitter. Criteria: Invitae Variant Classification Sherloc (09022015). Collection method: clinical testing. Allele origin: germline.

Ambry Genetics
Classification: Uncertain significance for Inborn genetic diseases. Last evaluated: 2017-08-24. Review status: criteria provided, single submitter. Criteria: Ambry exome assertion method (8-5-2015). Collection method: clinical testing. Allele origin: germline. Affected: yes. Observed: 1 variant allele.

PreventionGenetics, part of Exact Sciences
Classification: Uncertain significance for KMT2B-related condition. Last evaluated: 2024-03-11. Review status: no assertion criteria provided. Collection method: clinical testing. Allele origin: germline. Not counted in ClinVar's aggregate classification.
Comment: The KMT2B c.5996G>A variant is predicted to result in the amino acid substitution p.Gly1999Glu. To our knowledge, this variant has not been reported in the literature. This variant is reported in 0.013% of alleles in individuals of European (Non-Finnish) descent in gnomAD. At this time, the clinical significance of this variant is uncertain due to the absence of conclusive functional and genetic evidence.

NM_014727.3(KMT2B):c.5996G>A (p.Gly1999Glu)

Gene: KMT2B (lysine methyltransferase 2B; plus strand). Cytogenetic location: 19q13.12.
Variant type: single nucleotide variant.
Coding change: c.5996G>A on transcript NM_014727.3 (MANE Select); coding-DNA position 5996, G replaced by A.
Protein change: p.Gly1999Glu; replaces glycine 1999 with glutamic acid.
Molecular consequence: missense variant.
Genome position (GRCh38, 1-based): chr19:35,732,545, G>A. VCF-style: chr19-35732545-G-A. GRCh37 (hg19) VCF-style: chr19-36223446-G-A.
Other names: c.5996G>A (NM_014727.2); short protein forms G1999E.
Identifiers: ClinVar variation 985785 (VCV000985785.7), dbSNP rs1223543367, ClinGen allele CA405425056.